The following is an entry in ClinVar:

NM_000138.5(FBN1):c.3661dup (p.Cys1221fs)

Gene: FBN1 (fibrillin 1; minus strand). Cytogenetic location: 15q21.1.
Variant type: Duplication.
Coding change: c.3661dup on transcript NM_000138.5 (MANE Select); coding-DNA position 3661, one base duplicated (T; older notation c.3661dupT).
Protein change: p.Cys1221fs; shifts the reading frame from cysteine 1221.
Molecular consequence: frameshift variant.
Genome position (GRCh38, 1-based): chr15:48,485,425, A duplicated on the plus strand (T on the coding strand, the reverse complement: FBN1 is on the minus strand). VCF-style (leftmost placement, unchanged base first): chr15-48485424-C-CA. GRCh37 (hg19) VCF-style: chr15-48777621-C-CA.
Other names: c.3661dup, p.Cys1221Leufs (NM_001406716.1); short protein forms C1221fs.
Identifiers: ClinVar variation 2014484 (VCV002014484.4), dbSNP rs2505544882, ClinGen allele CA2580089585.

ClinVar aggregate classification (germline): Pathogenic (1 of 4 stars; one submission).

Conditions:
Familial thoracic aortic aneurysm and aortic dissection (TAAD). Also called: Thoracic aortic aneurysms and dissections. Identifiers: Orphanet 91387, MedGen C4707243, MONDO:0019625.
Marfan syndrome (MFS). Also called: MARFAN SYNDROME, TYPE I; Marfan syndrome type 1; Marfan's syndrome; Marfan syndrome, classic; FBN1-Related Marfan Syndrome. Identifiers: Orphanet 284963, Orphanet 558, MedGen C0024796, MONDO:0007947, OMIM 154700.

Submission:

Labcorp Genetics (formerly Invitae), Labcorp
Classification: Pathogenic for Marfan syndrome; Familial thoracic aortic aneurysm and aortic dissection. Last evaluated: 2022-07-06. Review status: criteria provided, single submitter. Criteria: Invitae Variant Classification Sherloc (09022015). Collection method: clinical testing. Allele origin: germline.
Comment: This sequence change creates a premature translational stop signal (p.Cys1221Leufs*2) in the FBN1 gene. It is expected to result in an absent or disrupted protein product. Loss-of-function variants in FBN1 are known to be pathogenic (PMID: 17657824, 19293843). This variant is not present in population databases (gnomAD no frequency). For these reasons, this variant has been classified as Pathogenic. This variant has not been reported in the literature in individuals affected with FBN1-related conditions.

Literature cited by the submitters: PubMed 17657824; PubMed 19293843.